The following is an entry in ClinVar:

ClinVar aggregate classification (germline): Likely pathogenic (1 of 4 stars; one submission).

Conditions:
Autism, susceptibility to, 17. Also called: Autism susceptibility 17. Identifiers: MedGen C3150693, MONDO:0013265, OMIM 613436.

Submission:

Juno Genomics, Hangzhou Juno Genomics, Inc
Classification: Likely pathogenic for Autism, susceptibility to, 17. Review status: criteria provided, single submitter. Criteria: ACMG Guidelines, 2015. Collection method: clinical testing. Allele origin: germline.
Comment: Null variant in a gene where loss of function (LOF) is a known mechanism of disease.;Absent from controls (or at extremely low frequency if recessive) in Genome Aggregation Database.

NM_012309.5(SHANK2):c.1045del (p.Val349fs)

Gene: SHANK2 (SH3 and multiple ankyrin repeat domains 2; minus strand). Cytogenetic location: 11q13.4.
Variant type: Deletion.
Coding change: c.1045del on transcript NM_012309.5 (MANE Select); coding-DNA position 1045, one base deleted (G; older notation c.1045delG).
Protein change: p.Val349fs; shifts the reading frame from valine 349.
Molecular consequence: frameshift variant.
Genome position (GRCh38, 1-based): chr11:71,056,543, C deleted on the plus strand (G on the coding strand, the reverse complement: SHANK2 is on the minus strand). VCF-style (leftmost placement, unchanged base first): chr11-71056542-AC-A.
Other names: c.1045del, p.Val349fs (NM_001441032.1, NM_001441033.1, NM_001441034.1 and 12 more transcripts); c.973del, p.Val325fs (NM_001441038.1); short protein forms V325fs, V349fs.
Identifiers: ClinVar variation 5004970 (VCV005004970.2).
Genomic context (GRCh38, chr11:71,056,542, plus strand): 5'-TGAAATGGAGTCTGGCTGTTGTAGTTTTTTAACTCCTTATTTCCGCCTCGAAACAGAAGC[AC>A]TCTTGCACAGCTGTCCTGCAAATAGAAAAGGAGAAACCTGTTTGTAAAATGGTAGCACAG-3'